The following is an entry in ClinVar:

ClinVar aggregate classification (germline): Uncertain significance. Review status: criteria provided, multiple submitters, no conflicts (2 of 4 stars). 2 submissions from 2 submitters: Uncertain significance (2). Last evaluated 2023-07-22.

Conditions:
Dyskeratosis congenita. Identifiers: Orphanet 1775, MedGen C0265965, MONDO:0015780.
Idiopathic Pulmonary Fibrosis. Also called: Idiopathic fibrosing alveolitis, chronic form; idiopathic fibrosing alveolitis. Identifiers: Orphanet 2032, MedGen C1800706, MeSH D054990, MONDO:0800504.
Dyskeratosis congenita, autosomal dominant 2. Identifiers: MedGen C3151443, MONDO:0013521, OMIM 613989.

Allele frequency attached by ClinVar (database versions not stated): gnomAD exomes below 0.00001.
gnomAD v4.1: 6 of 1,565,522 alleles (0.00038%); highest among the groups gnomAD compares: Non-Finnish European, 0.00052%; no homozygotes.

Submissions (2):

Labcorp Genetics (formerly Invitae), Labcorp
Classification: Uncertain significance for Dyskeratosis congenita, autosomal dominant 2; Idiopathic Pulmonary Fibrosis. Last evaluated: 2023-07-22. Review status: criteria provided, single submitter. Criteria: Invitae Variant Classification Sherloc (09022015). Collection method: clinical testing. Allele origin: germline.
Comment: This sequence change replaces leucine, which is neutral and non-polar, with valine, which is neutral and non-polar, at codon 382 of the TERT protein (p.Leu382Val). In summary, the available evidence is currently insufficient to determine the role of this variant in disease. Therefore, it has been classified as a Variant of Uncertain Significance. Advanced modeling of protein sequence and biophysical properties (such as structural, functional, and spatial information, amino acid conservation, physicochemical variation, residue mobility, and thermodynamic stability) performed at Invitae indicates that this missense variant is expected to disrupt TERT protein function. ClinVar contains an entry for this variant (Variation ID: 1010661). This variant has not been reported in the literature in individuals affected with TERT-related conditions. This variant is not present in population databases (gnomAD no frequency).

Ambry Genetics
Classification: Uncertain significance for Dyskeratosis congenita. Last evaluated: 2022-02-18. Review status: criteria provided, single submitter. Criteria: Ambry Variant Classification Scheme 2023. Collection method: clinical testing. Allele origin: germline.
Comment: The p.L382V variant (also known as c.1144C>G), located in coding exon 2 of the TERT gene, results from a C to G substitution at nucleotide position 1144. The leucine at codon 382 is replaced by valine, an amino acid with highly similar properties. This amino acid position is conserved. In addition, the in silico prediction for this alteration is inconclusive. Since supporting evidence is limited at this time, the clinical significance of this alteration remains unclear.

NM_198253.3(TERT):c.1144C>G (p.Leu382Val)

Gene: TERT (telomerase reverse transcriptase; minus strand). Cytogenetic location: 5p15.33.
Variant type: single nucleotide variant.
Coding change: c.1144C>G on transcript NM_198253.3 (MANE Select); coding-DNA position 1144, C replaced by G.
Protein change: p.Leu382Val; replaces leucine 382 with valine.
Molecular consequence: missense variant. On other transcripts: non-coding transcript variant (2).
Genome position (GRCh38, 1-based): chr5:1,293,742, G>C on the plus strand (C>G on the coding strand, the complement: TERT is on the minus strand). VCF-style: chr5-1293742-G-C. GRCh37 (hg19) VCF-style: chr5-1293857-G-C.
Other names: c.1144C>G, p.Leu382Val (NM_001193376.3); short protein forms L382V.
Identifiers: ClinVar variation 1010661 (VCV001010661.49), dbSNP rs994804257, ClinGen allele CA359086749.